The following is an entry in ClinVar:

NM_000553.6(WRN):c.2106dup (p.Thr703fs)

Gene: WRN (WRN RecQ like helicase; plus strand). Cytogenetic location: 8p12.
Variant type: Duplication.
Coding change: c.2106dup on transcript NM_000553.6 (MANE Select); coding-DNA position 2106, one base duplicated (T; older notation c.2106dupT).
Protein change: p.Thr703fs; shifts the reading frame from threonine 703.
Molecular consequence: frameshift variant.
Genome position (GRCh38, 1-based): chr8:31,111,632, T duplicated; the last of 2 consecutive T bases (chr8:31,111,631-31,111,632); duplicating either gives the same sequence. VCF-style (leftmost placement, unchanged base first): chr8-31111630-C-CT. GRCh37 (hg19) VCF-style: chr8-30969146-C-CT.
Other names: short protein forms T703fs.
Identifiers: ClinVar variation 1075888 (VCV001075888.5), dbSNP rs2130282820, ClinGen allele CA2499219251.

ClinVar aggregate classification (germline): Pathogenic (1 of 4 stars; one submission).

Conditions:
Werner syndrome (WRN). Identifiers: Orphanet 902, MedGen C0043119, MONDO:0010196, OMIM 277700.

Submission:

Labcorp Genetics (formerly Invitae), Labcorp
Classification: Pathogenic for Werner syndrome. Last evaluated: 2020-10-13. Review status: criteria provided, single submitter. Criteria: Invitae Variant Classification Sherloc (09022015). Collection method: clinical testing. Allele origin: germline.
Comment: For these reasons, this variant has been classified as Pathogenic. Loss-of-function variants in WRN are known to be pathogenic (PMID: 16673358). This variant has not been reported in the literature in individuals with WRN-related conditions. This variant is not present in population databases (ExAC no frequency). This sequence change creates a premature translational stop signal (p.Thr703Tyrfs*29) in the WRN gene. It is expected to result in an absent or disrupted protein product.

Literature cited by the submitters: PubMed 16673358.